The following is an entry in ClinVar:

GRCh38/hg38 22q11.21(chr22:18901977-21109441)x1

Genes: AIFM3 (AIF family member 3; plus strand), ARVCF (ARVCF delta catenin family member; minus strand), C22orf39 (chromosome 22 open reading frame 39; minus strand), CCDC188 (coiled-coil domain containing 188; minus strand), CDC45 (cell division cycle 45; plus strand) and 172 more. Cytogenetic location: 22q11.21.
Variant type: copy number loss.
Change: copy number 1 (one copy instead of two) of chr22:18,901,977-21,109,441 (2.21 Mb, GRCh38 coordinates, 1-based), cytogenetic band 22q11.21.
Identifiers: ClinVar variation 4852063 (VCV004852063.1).

ClinVar aggregate classification (germline): Pathogenic (1 of 4 stars; one submission).

Submission:

Clinical Genomics Laboratory, Laboratory for Precision Diagnostics, University of Washington
Classification: Pathogenic. Last evaluated: 2022-10-12. Review status: criteria provided, single submitter. Criteria: ACMG/ClinGen CNV Guidelines, 2019. Collection method: clinical testing. Allele origin: unknown. Affected: yes. Observed: 1 variant allele.
Comment: This is the deletion of LCR22A-D found in the majority of people with 22q11.2 deletion syndrome.

Literature cited by the submitters: PubMed 25962607.